The following is an entry in ClinVar:

NM_001849.4(COL6A2):c.3059_*12dup (p.Ter1020_Ter(1020_?)(?))

Gene: COL6A2 (collagen type VI alpha 2 chain; plus strand). Cytogenetic location: 21q22.3.
Variant type: Duplication.
Molecular consequence: frameshift variant, no sequence alteration (on NM_001849.4).
Genome position: GRCh38 VCF-style: chr21-46132550-T-TAGCGCCGCCGCCCG. GRCh37 (hg19) VCF-style: chr21-47552464-T-TAGCGCCGCCGCCCG.
Other names: c.3059_*12dup, p.Ter1020_Ter(1020_?)(?) (NM_001849.4).
Identifiers: ClinVar variation 1991869 (VCV001991869.4), dbSNP rs1555877393, ClinGen allele CA10073158.

ClinVar aggregate classification (germline): Uncertain significance (1 of 4 stars; one submission).

Conditions:
Bethlem myopathy 1A. Also called: MYOPATHY, BENIGN CONGENITAL, WITH CONTRACTURES; Bethlem myopathy 1; Bethlem Muscular Dystrophy. Identifiers: Orphanet 610, MedGen CN029274, MONDO:0024530, OMIM 158810.

Allele frequency attached by ClinVar (database versions not stated): gnomAD 0.00001; gnomAD exomes 0.00001; TOPMed below 0.00001; ExAC 0.00001.

Submission:

Labcorp Genetics (formerly Invitae), Labcorp
Classification: Uncertain significance for Bethlem myopathy 1A. Last evaluated: 2025-06-03. Review status: criteria provided, single submitter. Criteria: Invitae Variant Classification Sherloc (09022015). Collection method: clinical testing. Allele origin: germline.
Comment: This variant occurs in a non-coding region of the COL6A2 gene. It does not change the encoded amino acid sequence of the COL6A2 protein. This variant is present in population databases (rs755047241, gnomAD 0.009%). This variant has not been reported in the literature in individuals affected with COL6A2-related conditions. ClinVar contains an entry for this variant (Variation ID: 1991869). Experimental studies and prediction algorithms are not available or were not evaluated, and the functional significance of this variant is currently unknown. In summary, the available evidence is currently insufficient to determine the role of this variant in disease. Therefore, it has been classified as a Variant of Uncertain Significance.